The following is an entry in ClinVar:

NM_001374736.1(DST):c.13371G>C (p.Arg4457=)

Gene: DST (dystonin; minus strand). Cytogenetic location: 6p12.1.
Variant type: single nucleotide variant.
Coding change: c.13371G>C on transcript NM_001374736.1 (MANE Select); coding-DNA position 13371, G replaced by C.
Protein change: p.Arg4457=; no amino-acid change (arginine 4457 retained).
Molecular consequence: synonymous variant.
Genome position (GRCh38, 1-based): chr6:56,572,930, C>G on the plus strand (G>C on the coding strand, the complement: DST is on the minus strand). VCF-style: chr6-56572930-C-G. GRCh37 (hg19) VCF-style: chr6-56437728-C-G.
Other names: c.7014G>C, p.Arg2338= (NM_001144769.5); c.6600G>C, p.Arg2200= (NM_001144770.2); c.13371G>C, p.Arg4457= (NM_001374722.1); c.12738G>C, p.Arg4246= (NM_001374729.1); c.6480G>C, p.Arg2160= (NM_001374730.1, NM_001386100.1, NM_183380.4); c.13398G>C, p.Arg4466= (NM_001374734.1); c.5502G>C, p.Arg1834= (NM_015548.5).
Identifiers: ClinVar variation 2187746 (VCV002187746.6), dbSNP rs768383458, ClinGen allele CA450489281.

ClinVar aggregate classification (germline): Conflicting classifications of pathogenicity. Review status: criteria provided, conflicting classifications (1 of 4 stars). 2 submissions from 2 submitters: Uncertain significance (1); Likely benign (1). Last evaluated 2026-04-01.

Conditions:
Hereditary sensory and autonomic neuropathy type 6. Also called: HSAN VI; Neuropathy, hereditary sensory and autonomic, type VI. Identifiers: Orphanet 314381, MedGen C3539003, MONDO:0013839, OMIM 614653.
Epidermolysis bullosa simplex 3, localized or generalized intermediate, with BP230 deficiency (EBS3). Also called: Epidermolysis bullosa simplex due to BP230 deficiency; Epidermolysis bullosa simplex, autosomal recessive 2. Identifiers: Orphanet 412181, MedGen C3809470, MONDO:0014180, OMIM 615425.

gnomAD v4.1: 12 of 1,613,108 alleles (0.00074%); highest among the groups gnomAD compares: Non-Finnish European, 0.001%; no homozygotes.

Submissions (2):

CeGaT Center for Human Genetics Tuebingen
Classification: Likely benign. Last evaluated: 2026-04-01. Review status: criteria provided, single submitter. Criteria: CeGaT Center For Human Genetics Tuebingen Variant Classification Criteria Version 2. Collection method: clinical testing. Allele origin: germline. Affected: yes. Observed: 1 variant allele.
Comment: DST: BP4, BP7

Labcorp Genetics (formerly Invitae), Labcorp
Classification: Uncertain significance for Epidermolysis bullosa simplex 3, localized or generalized intermediate, with BP230 deficiency; Hereditary sensory and autonomic neuropathy type 6. Last evaluated: 2022-09-06. Review status: criteria provided, single submitter. Criteria: Invitae Variant Classification Sherloc (09022015). Collection method: clinical testing. Allele origin: germline.
Comment: The DST gene has multiple clinically relevant transcripts. This variant occurs in alternate transcript NM_015548.4, and corresponds to NM_001723.5:c.*42587G>C in the primary transcript. This sequence change affects codon 1834 of the DST mRNA. It is a 'silent' change, meaning that it does not change the encoded amino acid sequence of the DST protein. This variant is not present in population databases (gnomAD no frequency). This variant has not been reported in the literature in individuals affected with DST-related conditions. Experimental studies and prediction algorithms are not available or were not evaluated, and the effect of this variant on mRNA splicing is currently unknown. In summary, the available evidence is currently insufficient to determine the role of this variant in disease. Therefore, it has been classified as a Variant of Uncertain Significance.